The following is an entry in ClinVar:

NM_001605.3(AARS1):c.2287-95A>G

Gene: AARS1 (alanyl-tRNA synthetase 1; minus strand). Cytogenetic location: 16q22.1.
Variant type: single nucleotide variant.
Coding change: c.2287-95A>G on transcript NM_001605.3 (MANE Select); 95 bases into the intron before coding-DNA position 2287, A replaced by G.
Molecular consequence: intron variant.
Genome position (GRCh38, 1-based): chr16:70,254,829, T>C on the plus strand (A>G on the coding strand, the complement: AARS1 is on the minus strand). VCF-style: chr16-70254829-T-C. GRCh37 (hg19) VCF-style: chr16-70288732-T-C.
Identifiers: ClinVar variation 676184 (VCV000676184.2), dbSNP rs7205918, ClinGen allele CA14316539.

ClinVar aggregate classification (germline): Benign. Review status: criteria provided, multiple submitters, no conflicts (2 of 4 stars). 2 submissions from 2 submitters: Benign (2). Last evaluated 2018-06-16.

Allele frequency attached by ClinVar (database versions not stated): gnomAD exomes 0.01024; gnomAD 0.09084 and 0.09727; TOPMed 0.10116; 1000 Genomes Project 0.10583; 1000 Genomes Project 30x 0.11165.

Submissions (2):

GeneDx
Classification: Benign. Last evaluated: 2018-06-16. Review status: criteria provided, single submitter. Criteria: GeneDx Variant Classification (06012015). Collection method: clinical testing. Allele origin: germline. Affected: yes.
Comment: This variant is considered likely benign or benign based on one or more of the following criteria: it is a conservative change, it occurs at a poorly conserved position in the protein, it is predicted to be benign by multiple in silico algorithms, and/or has population frequency not consistent with disease.

Breakthrough Genomics
Classification: Benign. Review status: criteria provided, single submitter. Criteria: ACMG Guidelines, 2015. Collection method: not provided. Allele origin: germline. Inheritance: Autosomal recessive inheritance. Affected: yes.